The following is an entry in ClinVar:

NM_001291088.2(WDR87):c.4268G>A (p.Gly1423Glu)

Gene: WDR87 (WD repeat domain 87; minus strand). Cytogenetic location: 19q13.13.
Variant type: single nucleotide variant.
Coding change: c.4268G>A on transcript NM_001291088.2 (MANE Select); coding-DNA position 4268, G replaced by A.
Protein change: p.Gly1423Glu; replaces glycine 1423 with glutamic acid.
Molecular consequence: missense variant.
Genome position (GRCh38, 1-based): chr19:37,889,403, C>T on the plus strand (G>A on the coding strand, the complement: WDR87 is on the minus strand). VCF-style: chr19-37889403-C-T. GRCh37 (hg19) VCF-style: chr19-38380043-C-T.
Other names: c.4151G>A, p.Gly1384Glu (NM_031951.5); short protein forms G1423E, G1384E.
Identifiers: ClinVar variation 1445532 (VCV001445532.6), dbSNP rs188583970, ClinGen allele CA308022271.

ClinVar aggregate classification (germline): Uncertain significance (1 of 4 stars; one submission).

Allele frequency attached by ClinVar (database versions not stated): gnomAD exomes 0.00001 and 0.00005; TOPMed 0.00008; gnomAD 0.00013; 1000 Genomes Project 30x 0.00031.
gnomAD v4.1: 36 of 1,551,664 alleles (0.0023%); highest among the groups gnomAD compares: Admixed American, 0.069%; no homozygotes.

Submission:

Labcorp Genetics (formerly Invitae), Labcorp
Classification: Uncertain significance. Last evaluated: 2025-05-08. Review status: criteria provided, single submitter. Criteria: Invitae Variant Classification Sherloc (09022015). Collection method: clinical testing. Allele origin: germline.
Comment: This sequence change replaces glycine, which is neutral and non-polar, with glutamic acid, which is acidic and polar, at codon 1384 of the WDR87 protein (p.Gly1384Glu). This variant is present in population databases (rs188583970, gnomAD 0.03%). This variant has not been reported in the literature in individuals affected with WDR87-related conditions. ClinVar contains an entry for this variant (Variation ID: 1445532). An algorithm developed to predict the effect of missense changes on protein structure and function outputs the following: PolyPhen-2: "Benign". The glutamic acid amino acid residue is found in multiple mammalian species, which suggests that this missense change does not adversely affect protein function. In summary, the available evidence is currently insufficient to determine the role of this variant in disease. Therefore, it has been classified as a Variant of Uncertain Significance.